The following is an entry in ClinVar:

ClinVar aggregate classification (germline): Likely benign. Review status: criteria provided, single submitter (1 of 4 stars). 2 submissions from 2 submitters: Likely benign (1). 1 of the submissions does not count toward it. Last evaluated 2026-01-20.

Conditions:
DNAAF5-related disorder. Also called: DNAAF5-related condition.
Primary ciliary dyskinesia. Also called: Ciliary dyskinesia. Identifiers: Orphanet 244, MedGen C0008780, MONDO:0016575, HP:0012265.

Allele frequency attached by ClinVar (database versions not stated): ESP Exome Variant Server 0.00031; gnomAD 0.00035; TOPMed 0.00037; gnomAD exomes 0.00010 and 0.00027; ExAC 0.00031; 1000 Genomes Project 30x 0.00047; 1000 Genomes Project 0.00060.
gnomAD v4.1: 203 of 1,613,984 alleles (0.013%); highest among the groups gnomAD compares: East Asian, 0.2%; 1 homozygote.

Submissions (2):

Labcorp Genetics (formerly Invitae), Labcorp
Classification: Likely benign for Primary ciliary dyskinesia. Last evaluated: 2026-01-20. Review status: criteria provided, single submitter. Criteria: Invitae Variant Classification Sherloc (09022015). Collection method: clinical testing. Allele origin: germline.

PreventionGenetics, part of Exact Sciences
Classification: Likely benign for DNAAF5-related condition. Last evaluated: 2023-09-28. Review status: no assertion criteria provided. Collection method: clinical testing. Allele origin: germline. Not counted in ClinVar's aggregate classification.
Comment: This variant is classified as likely benign based on ACMG/AMP sequence variant interpretation guidelines (Richards et al. 2015 PMID: 25741868, with internal and published modifications).

NM_017802.4(DNAAF5):c.1325C>T (p.Ser442Leu)

Gene: DNAAF5 (dynein axonemal assembly factor 5; plus strand). Cytogenetic location: 7p22.3.
Variant type: single nucleotide variant.
Coding change: c.1325C>T on transcript NM_017802.4 (MANE Select); coding-DNA position 1325, C replaced by T.
Protein change: p.Ser442Leu; replaces serine 442 with leucine.
Molecular consequence: missense variant. On other transcripts: non-coding transcript variant (1).
Genome position (GRCh38, 1-based): chr7:756,849, C>T. VCF-style: chr7-756849-C-T. GRCh37 (hg19) VCF-style: chr7-796486-C-T.
Other names: short protein forms S442L.
Identifiers: ClinVar variation 454851 (VCV000454851.14), dbSNP rs146938307, ClinGen allele CA4110688.